The following is an entry in ClinVar:

ClinVar aggregate classification (germline): Uncertain significance (1 of 4 stars; one submission).

Conditions:
Cognitive impairment - coarse facies - heart defects - obesity - pulmonary involvement - short stature - skeletal dysplasia syndrome. Also called: COGNITIVE IMPAIRMENT, COARSE FACIES, HEART DEFECTS, OBESITY, PULMONARY INVOLVEMENT, SHORT STATURE, AND SKELETAL DYSPLASIA; Chops syndrome; AFF4-Related CHOPS Syndrome. Identifiers: Orphanet 444077, MedGen C4085597, MONDO:0014609, OMIM 616368.

gnomAD v4.1: 5 of 1,614,016 alleles (0.00031%); highest among the groups gnomAD compares: African/African-American, 0.0067%; no homozygotes.

Submission:

Labcorp Genetics (formerly Invitae), Labcorp
Classification: Uncertain significance for Cognitive impairment - coarse facies - heart defects - obesity - pulmonary involvement - short stature - skeletal dysplasia syndrome. Last evaluated: 2025-06-25. Review status: criteria provided, single submitter. Criteria: Invitae Variant Classification Sherloc (09022015). Collection method: clinical testing. Allele origin: germline.
Comment: This sequence change replaces leucine, which is neutral and non-polar, with phenylalanine, which is neutral and non-polar, at codon 841 of the AFF4 protein (p.Leu841Phe). This variant is not present in population databases (gnomAD no frequency). This variant has not been reported in the literature in individuals affected with AFF4-related conditions. Invitae Evidence Modeling of protein sequence and biophysical properties (such as structural, functional, and spatial information, amino acid conservation, physicochemical variation, residue mobility, and thermodynamic stability) indicates that this missense variant is not expected to disrupt AFF4 protein function with a negative predictive value of 80%. In summary, the available evidence is currently insufficient to determine the role of this variant in disease. Therefore, it has been classified as a Variant of Uncertain Significance.

NM_014423.4(AFF4):c.2523A>T (p.Leu841Phe)

Gene: AFF4 (ALF transcription elongation factor 4; minus strand). Cytogenetic location: 5q31.1.
Variant type: single nucleotide variant.
Coding change: c.2523A>T on transcript NM_014423.4 (MANE Select); coding-DNA position 2523, A replaced by T.
Protein change: p.Leu841Phe; replaces leucine 841 with phenylalanine.
Molecular consequence: missense variant.
Genome position (GRCh38, 1-based): chr5:132,892,278, T>A on the plus strand (A>T on the coding strand, the complement: AFF4 is on the minus strand). VCF-style: chr5-132892278-T-A. GRCh37 (hg19) VCF-style: chr5-132227970-T-A.
Other names: short protein forms L841F.
Identifiers: ClinVar variation 4808543 (VCV004808543.1).
Genomic context (GRCh38, chr5:132,892,278, plus strand): 5'-TGTGGAGGAACTGTTTTTGCTGCTGCCACTCGTCTCCTTGTTGCTGTTACTGCTTGACTT[T>A]AAGGAAGAAGACTGACTAATAGTCCTCTTCCGAGAGCCATGCTCTGTTTTTGGATCTTTT-3'
Protein context (NP_055238.1, residues 831-851): RKRTISQSSS[Leu841Phe]KSSSNSNKET